The following is an entry in ClinVar:

NM_000179.3(MSH6):c.754T>G (p.Ser252Ala)

Gene: MSH6 (mutS homolog 6; plus strand). Cytogenetic location: 2p16.3.
Variant type: single nucleotide variant.
Coding change: c.754T>G on transcript NM_000179.3 (MANE Select); coding-DNA position 754, T replaced by G.
Protein change: p.Ser252Ala; replaces serine 252 with alanine.
Molecular consequence: missense variant. On other transcripts: 5 prime UTR variant (2).
Genome position (GRCh38, 1-based): chr2:47,798,737, T>G. VCF-style: chr2-47798737-T-G. GRCh37 (hg19) VCF-style: chr2-48025876-T-G.
Other names: c.364T>G, p.Ser122Ala (NM_001281492.2); c.-153T>G (NM_001281493.2, NM_001281494.2); short protein forms S252A, S122A.
Identifiers: ClinVar variation 230454 (VCV000230454.13), dbSNP rs746623981, ClinGen allele CA073439.

ClinVar aggregate classification (germline): Conflicting classifications of pathogenicity. Review status: criteria provided, conflicting classifications (1 of 4 stars). 2 submissions from 2 submitters: Uncertain significance (1); Benign (1). Last evaluated 2025-12-12.

Conditions:
Hereditary nonpolyposis colorectal neoplasms. Identifiers: MedGen C0009405, MeSH D003123.
Hereditary cancer-predisposing syndrome. Also called: Neoplastic Syndromes, Hereditary; Tumor predisposition; Hereditary Cancer Syndrome; Hereditary neoplastic syndrome. Identifiers: Orphanet 140162, MedGen C0027672, MeSH D009386, MONDO:0015356.

Allele frequency attached by ClinVar (database versions not stated): TOPMed below 0.00001; ExAC 0.00001; gnomAD 0.00001; gnomAD exomes 0.00002.
gnomAD v4.1: 5 of 1,613,970 alleles (0.00031%); highest among the groups gnomAD compares: East Asian, 0.0067%; no homozygotes.

Submissions (2):

Labcorp Genetics (formerly Invitae), Labcorp
Classification: Benign for Hereditary nonpolyposis colorectal neoplasms. Last evaluated: 2025-12-12. Review status: criteria provided, single submitter. Criteria: Invitae Variant Classification Sherloc (09022015). Collection method: clinical testing. Allele origin: germline.

Ambry Genetics
Classification: Uncertain significance for Hereditary cancer-predisposing syndrome. Last evaluated: 2023-12-05. Review status: criteria provided, single submitter. Criteria: Ambry Variant Classification Scheme 2023. Collection method: clinical testing. Allele origin: germline.
Comment: The p.S252A variant (also known as c.754T>G), located in coding exon 4 of the MSH6 gene, results from a T to G substitution at nucleotide position 754. The serine at codon 252 is replaced by alanine, an amino acid with similar properties. This amino acid position is not well conserved in available vertebrate species. In addition, this alteration is predicted to be tolerated by in silico analysis. Since supporting evidence is limited at this time, the clinical significance of this alteration remains unclear.

Literature cited by the submitters: PubMed 21035467 (cited by Ambry Genetics).